The following is an entry in ClinVar:

NM_003331.5(TYK2):c.602C>T (p.Pro201Leu)

Gene: TYK2 (tyrosine kinase 2; minus strand). Cytogenetic location: 19p13.2.
Variant type: single nucleotide variant.
Coding change: c.602C>T on transcript NM_003331.5 (MANE Select); coding-DNA position 602, C replaced by T.
Protein change: p.Pro201Leu; replaces proline 201 with leucine.
Molecular consequence: missense variant.
Genome position (GRCh38, 1-based): chr19:10,366,444, G>A on the plus strand (C>T on the coding strand, the complement: TYK2 is on the minus strand). VCF-style: chr19-10366444-G-A. GRCh37 (hg19) VCF-style: chr19-10477120-G-A.
Other names: c.602C>T (LRG_121t1); short protein forms P201L.
Identifiers: ClinVar variation 327957 (VCV000327957.10), dbSNP rs752615354, ClinGen allele CA9193688.
Genomic context (GRCh38, chr19:10,366,444, plus strand): 5'-CCTACACAGCGTCCCCACCCCATTCCCAGACACCTGGTCTTCTTGGCCACCTCCTCCAGG[G>A]GGATGCCATGGCGGAGAGCGAGGTGACAGAGGTGCAGAAAGGCCATGCCCAGGCTCTCAT-3'
Protein context (NP_003322.3, residues 191-211): LCHLALRHGI[Pro201Leu]LEEVAKKTSF

ClinVar aggregate classification (germline): Uncertain significance. Review status: criteria provided, multiple submitters, no conflicts (2 of 4 stars). 2 submissions from 2 submitters: Uncertain significance (2). Last evaluated 2022-06-13.

Conditions:
Immunodeficiency 35 (IMD35). Also called: HIES WITH ATYPICAL MYCOBACTERIOSIS, AUTOSOMAL RECESSIVE; HYPER-IgE SYNDROME WITH ATYPICAL MYCOBACTERIOSIS, AUTOSOMAL RECESSIVE; TYK2 DEFICIENCY; Susceptibility to infection due to TYK2 deficiency. Identifiers: Orphanet 331226, MedGen C1969086, MONDO:0012682, OMIM 611521.

Allele frequency attached by ClinVar (database versions not stated): gnomAD 0.00001; gnomAD exomes 0.00001 and 0.00004; ExAC 0.00002; TOPMed 0.00002.

Submissions (2):

Labcorp Genetics (formerly Invitae), Labcorp
Classification: Uncertain significance for Immunodeficiency 35. Last evaluated: 2022-06-13. Review status: criteria provided, single submitter. Criteria: Invitae Variant Classification Sherloc (09022015). Collection method: clinical testing. Allele origin: germline.
Comment: This sequence change replaces proline, which is neutral and non-polar, with leucine, which is neutral and non-polar, at codon 201 of the TYK2 protein (p.Pro201Leu). This variant is present in population databases (rs752615354, gnomAD 0.006%). This variant has not been reported in the literature in individuals affected with TYK2-related conditions. ClinVar contains an entry for this variant (Variation ID: 327957). Algorithms developed to predict the effect of missense changes on protein structure and function are either unavailable or do not agree on the potential impact of this missense change (SIFT: "Not Available"; PolyPhen-2: "Benign"; Align-GVGD: "Not Available"). In summary, the available evidence is currently insufficient to determine the role of this variant in disease. Therefore, it has been classified as a Variant of Uncertain Significance.

Illumina Laboratory Services, Illumina
Classification: Uncertain significance for Immunodeficiency 35. Last evaluated: 2018-01-12. Review status: criteria provided, single submitter. Criteria: ICSL Variant Classification Criteria 13 December 2019. Collection method: clinical testing. Allele origin: germline.